The following is an entry in ClinVar:

ClinVar aggregate classification (germline): Uncertain significance. Review status: criteria provided, multiple submitters, no conflicts (2 of 4 stars). 4 submissions from 4 submitters: Uncertain significance (4). Last evaluated 2025-12-01.

Conditions:
Hereditary cancer-predisposing syndrome. Also called: Hereditary Cancer Syndrome; Hereditary neoplastic syndrome; Neoplastic Syndromes, Hereditary; Tumor predisposition. Identifiers: Orphanet 140162, MedGen C0027672, MeSH D009386, MONDO:0015356.
Fanconi anemia complementation group J. Also called: BRIP1-Related Fanconi Anemia. Identifiers: Orphanet 84, MedGen C1836860, MONDO:0012187, OMIM 609054.
Familial cancer of breast. Also called: hereditary breast carcinoma; BREAST CANCER, FAMILIAL; Hereditary breast cancer. Identifiers: Orphanet 227535, MedGen C0346153, MONDO:0016419, OMIM 114480. Disease mechanism: loss of function.

Submissions (4):

CeGaT Center for Human Genetics Tuebingen
Classification: Uncertain significance. Last evaluated: 2025-12-01. Review status: criteria provided, single submitter. Criteria: CeGaT Center For Human Genetics Tuebingen Variant Classification Criteria Version 2. Collection method: clinical testing. Allele origin: germline. Affected: yes. Observed: 1 variant allele.
Comment: BRIP1: PM2

Labcorp Genetics (formerly Invitae), Labcorp
Classification: Uncertain significance for Familial cancer of breast; Fanconi anemia complementation group J. Last evaluated: 2025-05-13. Review status: criteria provided, single submitter. Criteria: Invitae Variant Classification Sherloc (09022015). Collection method: clinical testing. Allele origin: germline.
Comment: This sequence change replaces alanine, which is neutral and non-polar, with valine, which is neutral and non-polar, at codon 62 of the BRIP1 protein (p.Ala62Val). This variant is not present in population databases (gnomAD no frequency). This variant has not been reported in the literature in individuals affected with BRIP1-related conditions. ClinVar contains an entry for this variant (Variation ID: 960897). Invitae Evidence Modeling of protein sequence and biophysical properties (such as structural, functional, and spatial information, amino acid conservation, physicochemical variation, residue mobility, and thermodynamic stability) has been performed for this missense variant. However, the output from this modeling did not meet the statistical confidence thresholds required to predict the impact of this variant on BRIP1 protein function. In summary, the available evidence is currently insufficient to determine the role of this variant in disease. Therefore, it has been classified as a Variant of Uncertain Significance.

Ambry Genetics
Classification: Uncertain significance for Hereditary cancer-predisposing syndrome. Last evaluated: 2025-01-13. Review status: criteria provided, single submitter. Criteria: Ambry Variant Classification Scheme 2023. Collection method: clinical testing. Allele origin: germline.
Comment: The p.A62V variant (also known as c.185C>T), located in coding exon 2 of the BRIP1 gene, results from a C to T substitution at nucleotide position 185. The alanine at codon 62 is replaced by valine, an amino acid with similar properties. This amino acid position is conserved. In addition, this alteration is predicted to be tolerated by in silico analysis. Based on the available evidence, the clinical significance of this variant remains unclear.

Color Diagnostics, LLC DBA Color Health
Classification: Uncertain significance for Hereditary cancer-predisposing syndrome. Last evaluated: 2023-09-12. Review status: criteria provided, single submitter. Criteria: ACMG Guidelines, 2015. Collection method: clinical testing. Allele origin: germline.
Comment: This missense variant replaces alanine with valine at codon 62 of the BRIP1 protein. Computational prediction suggests that this variant may not impact protein structure and function (internally defined REVEL score threshold <= 0.5, PMID: 27666373). To our knowledge, functional studies have not been reported for this variant. This variant has not been reported in individuals affected with BRIP1-related disorders in the literature. This variant has not been identified in the general population by the Genome Aggregation Database (gnomAD). The available evidence is insufficient to determine the role of this variant in disease conclusively. Therefore, this variant is classified as a Variant of Uncertain Significance.

NM_032043.3(BRIP1):c.185C>T (p.Ala62Val)

Gene: BRIP1 (BRCA1 interacting DNA helicase 1; minus strand). Cytogenetic location: 17q23.2.
Variant type: single nucleotide variant.
Coding change: c.185C>T on transcript NM_032043.3 (MANE Select); coding-DNA position 185, C replaced by T.
Protein change: p.Ala62Val; replaces alanine 62 with valine.
Molecular consequence: missense variant.
Genome position (GRCh38, 1-based): chr17:61,859,816, G>A on the plus strand (C>T on the coding strand, the complement: BRIP1 is on the minus strand). VCF-style: chr17-61859816-G-A. GRCh37 (hg19) VCF-style: chr17-59937177-G-A.
Other names: short protein forms A62V.
Identifiers: ClinVar variation 960897 (VCV000960897.19), dbSNP rs2078949086, ClinGen allele CA400485688.